The following is an entry in ClinVar:

ClinVar aggregate classification (germline): Pathogenic (1 of 4 stars; one submission).

Conditions:
Short QT syndrome type 3. Identifiers: Orphanet 51083, MedGen C1865018, MONDO:0012314, OMIM 609622.
Andersen Tawil syndrome (LQT7). Also called: ANDERSEN CARDIODYSRHYTHMIC PERIODIC PARALYSIS; Potassium-sensitive periodic paralysis, ventricular ectopy, and dysmorphic features; Andersen Syndrome; PERIODIC PARALYSIS, POTASSIUM-SENSITIVE CARDIODYSRHYTHMIC TYPE; LONG QT SYNDROME 7. Identifiers: Orphanet 37553, MedGen C1563715, MONDO:0008222, OMIM 170390.

Submission:

Labcorp Genetics (formerly Invitae), Labcorp
Classification: Pathogenic for Short QT syndrome type 3; Andersen Tawil syndrome. Last evaluated: 2024-10-26. Review status: criteria provided, single submitter. Criteria: Invitae Variant Classification Sherloc (09022015). Collection method: clinical testing. Allele origin: germline.
Comment: This sequence change replaces tyrosine, which is neutral and polar, with cysteine, which is neutral and slightly polar, at codon 145 of the KCNJ2 protein (p.Tyr145Cys). This variant is not present in population databases (gnomAD no frequency). This missense change has been observed in individual(s) with Andersen-Tawil syndrome (PMID: 26322597, 29017447). It has also been observed to segregate with disease in related individuals. ClinVar contains an entry for this variant (Variation ID: 858285). Invitae Evidence Modeling of protein sequence and biophysical properties (such as structural, functional, and spatial information, amino acid conservation, physicochemical variation, residue mobility, and thermodynamic stability) indicates that this missense variant is expected to disrupt KCNJ2 protein function with a positive predictive value of 95%. Experimental studies have shown that this missense change affects KCNJ2 function (PMID: 29017447). For these reasons, this variant has been classified as Pathogenic.

Literature cited by the submitters: PubMed 26322597; PubMed 29017447.

NM_000891.3(KCNJ2):c.434A>G (p.Tyr145Cys)

Gene: KCNJ2 (potassium inwardly rectifying channel subfamily J member 2; plus strand). Cytogenetic location: 17q24.3.
Variant type: single nucleotide variant.
Coding change: c.434A>G on transcript NM_000891.3 (MANE Select); coding-DNA position 434, A replaced by G.
Protein change: p.Tyr145Cys; replaces tyrosine 145 with cysteine.
Molecular consequence: missense variant.
Genome position (GRCh38, 1-based): chr17:70,175,473, A>G. VCF-style: chr17-70175473-A-G. GRCh37 (hg19) VCF-style: chr17-68171614-A-G.
Other names: short protein forms Y145C.
Identifiers: ClinVar variation 858285 (VCV000858285.9), dbSNP rs2074387117, ClinGen allele CA400860589.